The following is an entry in ClinVar:

ClinVar aggregate classification (germline): Benign/Likely benign. Review status: criteria provided, multiple submitters, no conflicts (2 of 4 stars). 12 submissions from 12 submitters: Benign (4); Likely benign (5). 3 of the submissions do not count toward it. Last evaluated 2026-09-01.

Conditions:
Inborn genetic diseases. Identifiers: MedGen C0950123, MeSH D030342.
Nicolaides-Baraitser syndrome (NCBRS). Also called: SMARCA2-Related Nicolaides-Baraitser Syndrome; Intellectual disability-sparse hair-brachydactyly syndrome. Identifiers: Orphanet 3051, MedGen C1303073, MONDO:0011053, OMIM 601358.

Submissions (12):

CeGaT Center for Human Genetics Tuebingen
Classification: Benign. Last evaluated: 2026-09-01. Review status: criteria provided, single submitter. Criteria: CeGaT Center For Human Genetics Tuebingen Variant Classification Criteria Version 2. Collection method: clinical testing. Allele origin: germline. Affected: yes. Observed: 28 variant alleles.
Comment: SMARCA2: BS1, BS2

Blueprint Genetics
Classification: Likely benign. Last evaluated: 2024-11-27. Review status: criteria provided, single submitter. Criteria: ACMG Guidelines, 2015. Collection method: clinical testing. Allele origin: germline.

Labcorp Genetics (formerly Invitae), Labcorp
Classification: Likely benign. Last evaluated: 2024-04-13. Review status: criteria provided, single submitter. Criteria: Invitae Variant Classification Sherloc (09022015). Collection method: clinical testing. Allele origin: germline.

ARUP Laboratories, Molecular Genetics and Genomics, ARUP Laboratories
Classification: Likely benign. Last evaluated: 2024-03-04. Review status: criteria provided, single submitter. Criteria: ARUP Molecular Germline Variant Investigation Process 2024. Collection method: clinical testing. Allele origin: germline.

Molecular Genetics, Royal Melbourne Hospital
Classification: Benign for Nicolaides-Baraitser syndrome. Last evaluated: 2023-06-06. Review status: criteria provided, single submitter. Criteria: ACMG Guidelines, 2015. Collection method: clinical testing. Allele origin: germline. Inheritance: Autosomal dominant inheritance. Affected: no.

Mayo Clinic Laboratories, Mayo Clinic
Classification: Benign. Last evaluated: 2023-01-03. Review status: criteria provided, single submitter. Criteria: ACMG Guidelines, 2015. Collection method: clinical testing. Allele origin: germline. Observed: 7 variant alleles.
Comment: BS1, BS2, BP4

GeneDx
Classification: Likely benign. Last evaluated: 2022-02-01. Review status: criteria provided, single submitter. Criteria: GeneDx Variant Classification Process June 2021. Collection method: clinical testing. Allele origin: germline. Affected: yes.

Ambry Genetics
Classification: Likely benign for Inborn genetic diseases. Last evaluated: 2021-09-02. Review status: criteria provided, single submitter. Criteria: Ambry Variant Classification Scheme 2023. Collection method: clinical testing. Allele origin: germline.

Genetic Services Laboratory, University of Chicago
Classification: Benign. Last evaluated: 2019-10-31. Review status: criteria provided, single submitter. Criteria: ACMG Guidelines, 2015. Collection method: clinical testing. Allele origin: germline. Affected: no.

Clinical Genetics DNA and cytogenetics Diagnostics Lab, Erasmus MC, Erasmus Medical Center
Classification: Likely benign. Review status: no assertion criteria provided. Collection method: clinical testing. Allele origin: germline. Affected: yes. Study: VKGL Data-share Consensus. Not counted in ClinVar's aggregate classification.

Diagnostic Laboratory, Department of Genetics, University Medical Center Groningen
Classification: Likely benign. Review status: no assertion criteria provided. Collection method: clinical testing. Allele origin: germline. Affected: yes. Study: VKGL Data-share Consensus. Not counted in ClinVar's aggregate classification.

Laboratory of Diagnostic Genome Analysis, Leiden University Medical Center (LUMC)
Classification: Likely benign. Review status: no assertion criteria provided. Collection method: clinical testing. Allele origin: germline. Affected: yes. Study: VKGL Data-share Consensus. Not counted in ClinVar's aggregate classification.

NM_003070.5(SMARCA2):c.669GCA[10] (p.Gln236_Gln238del)

Gene: SMARCA2 (SWI/SNF related BAF chromatin remodeling complex subunit ATPase 2; plus strand). Cytogenetic location: 9p24.3.
Variant type: Microsatellite.
Coding change: c.669GCA[10] on transcript NM_003070.5 (MANE Select); ten copies in a row of the 3-base unit GCA starting at c.669; the reference has 13 copies in a row; three copies, 9 bases deleted; also written c.699_707del.
Protein change: p.Gln236_Gln238del.
Molecular consequence: inframe deletion. On other transcripts: inframe indel (1).
Genome position (GRCh38, 1-based): chr9:2,039,809-2,039,817, GCAGCAGCA deleted; deleting any 9 consecutive bases within chr9:2,039,777-2,039,817 gives the same sequence; the position shown is the placement nearest the transcript's 3' end. VCF-style (leftmost placement, unchanged base first): chr9-2039776-ACAGCAGCAG-A. GRCh37 (hg19) VCF-style: chr9-2039776-ACAGCAGCAG-A.
Other names: p.Gln236_Gln238del; c.699_707delGCAGCAGCA (NM_003070.3, NM_001289396.1); c.699_707del (NM_003070.5); c.669_671GCA[10], p.Gln236_Gln238del (NM_001289396.2); c.669GCA[10], p.Gln236_Gln238del (NM_001289397.2, NM_139045.4).
Identifiers: ClinVar variation 212231 (VCV000212231.55), dbSNP rs113070757, ClinGen allele CA205146.